The following is an entry in ClinVar:

NM_000531.6(OTC):c.995G>A (p.Trp332Ter)

Gene: OTC (ornithine transcarbamylase; plus strand). Cytogenetic location: Xp11.4.
Variant type: single nucleotide variant.
Coding change: c.995G>A on transcript NM_000531.6 (MANE Select); coding-DNA position 995, G replaced by A.
Protein change: p.Trp332Ter; replaces tryptophan 332 with a stop codon.
Molecular consequence: nonsense.
Genome position (GRCh38, 1-based): chrX:38,411,989, G>A. VCF-style: chrX-38411989-G-A. GRCh37 (hg19) VCF-style: chrX-38271242-G-A.
Other names: short protein forms W332*.
Identifiers: ClinVar variation 97379 (VCV000097379.43), dbSNP rs72558481, ClinGen allele CA224869.

ClinVar aggregate classification (germline): Pathogenic. Review status: criteria provided, single submitter (1 of 4 stars). 2 submissions from 2 submitters: Pathogenic (1). 1 of the submissions does not count toward it. Last evaluated 2018-08-01.

Submissions (2):

CeGaT Center for Human Genetics Tuebingen
Classification: Pathogenic. Last evaluated: 2018-08-01. Review status: criteria provided, single submitter. Criteria: CeGaT Center For Human Genetics Tuebingen Variant Classification Criteria Version 2. Collection method: clinical testing. Allele origin: germline. Affected: yes. Observed: 1 variant allele.

GenMed Metabolism Lab
Classification: Pathogenic. Review status: no assertion criteria provided. Collection method: not provided. Allele origin: unknown. Not counted in ClinVar's aggregate classification.
Comment: p.Trp332X, Neonatal
ClinVar note: Converted during submission from pathogenic to Pathogenic.